The following is an entry in ClinVar:

NM_021076.4(NEFH):c.62G>A (p.Gly21Asp)

Gene: NEFH (neurofilament heavy chain; plus strand). Cytogenetic location: 22q12.2.
Variant type: single nucleotide variant.
Coding change: c.62G>A on transcript NM_021076.4 (MANE Select); coding-DNA position 62, G replaced by A.
Protein change: p.Gly21Asp; replaces glycine 21 with aspartic acid.
Molecular consequence: missense variant.
Genome position (GRCh38, 1-based): chr22:29,480,324, G>A. VCF-style: chr22-29480324-G-A. GRCh37 (hg19) VCF-style: chr22-29876313-G-A.
Other names: short protein forms G21D.
Identifiers: ClinVar variation 1367148 (VCV001367148.6), dbSNP rs566510031, ClinGen allele CA323082728.

ClinVar aggregate classification (germline): Uncertain significance (1 of 4 stars; one submission).

Allele frequency attached by ClinVar (database versions not stated): TOPMed below 0.00001; gnomAD 0.00001; gnomAD exomes 0.00002; 1000 Genomes Project 30x 0.00016; 1000 Genomes Project 0.00020.
gnomAD v4.1: 23 of 1,507,868 alleles (0.0015%); highest among the groups gnomAD compares: Non-Finnish European, 0.0018%; no homozygotes.

Submission:

Labcorp Genetics (formerly Invitae), Labcorp
Classification: Uncertain significance. Last evaluated: 2024-02-03. Review status: criteria provided, single submitter. Criteria: Invitae Variant Classification Sherloc (09022015). Collection method: clinical testing. Allele origin: germline.
Comment: This sequence change replaces glycine, which is neutral and non-polar, with aspartic acid, which is acidic and polar, at codon 21 of the NEFH protein (p.Gly21Asp). The frequency data for this variant in the population databases is considered unreliable, as metrics indicate poor data quality at this position in the gnomAD database. This variant has not been reported in the literature in individuals affected with NEFH-related conditions. ClinVar contains an entry for this variant (Variation ID: 1367148). Advanced modeling of protein sequence and biophysical properties (such as structural, functional, and spatial information, amino acid conservation, physicochemical variation, residue mobility, and thermodynamic stability) performed at Invitae indicates that this missense variant is not expected to disrupt NEFH protein function with a negative predictive value of 95%. In summary, the available evidence is currently insufficient to determine the role of this variant in disease. Therefore, it has been classified as a Variant of Uncertain Significance.